The following is an entry in ClinVar:

NM_000321.3(RB1):c.1976A>G (p.Tyr659Cys)

Gene: RB1 (RB transcriptional corepressor 1; plus strand). Cytogenetic location: 13q14.2.
Variant type: single nucleotide variant.
Coding change: c.1976A>G on transcript NM_000321.3 (MANE Select); coding-DNA position 1976, A replaced by G.
Protein change: p.Tyr659Cys; replaces tyrosine 659 with cysteine.
Molecular consequence: missense variant.
Genome position (GRCh38, 1-based): chr13:48,459,703, A>G. VCF-style: chr13-48459703-A-G. GRCh37 (hg19) VCF-style: chr13-49033839-A-G.
Other names: short protein forms Y659C.
Identifiers: ClinVar variation 957719 (VCV000957719.11), dbSNP rs751799266, ClinGen allele CA033544.

ClinVar aggregate classification (germline): Conflicting classifications of pathogenicity. Review status: criteria provided, conflicting classifications (1 of 4 stars). 3 submissions from 3 submitters: Uncertain significance (2); Likely benign (1). Last evaluated 2025-07-29.

Conditions:
Hereditary cancer-predisposing syndrome. Also called: Tumor predisposition; Hereditary neoplastic syndrome; Neoplastic Syndromes, Hereditary; Hereditary Cancer Syndrome. Identifiers: Orphanet 140162, MedGen C0027672, MeSH D009386, MONDO:0015356.
Retinoblastoma (RB1). Also called: RETINOBLASTOMA, SOMATIC. Identifiers: Orphanet 790, MedGen C0035335, MeSH D012175, MONDO:0008380, OMIM 180200, HP:0009919. Disease mechanism: loss of function. Inheritance: Both sporadic and heritable forms are tested..

Allele frequency attached by ClinVar (database versions not stated): gnomAD 0.00001; gnomAD exomes 0.00001 and 0.00002; ExAC 0.00002.
gnomAD v4.1: 10 of 1,613,962 alleles (0.00062%); highest among the groups gnomAD compares: Admixed American, 0.0033%; no homozygotes.

Submissions (3):

Labcorp Genetics (formerly Invitae), Labcorp
Classification: Uncertain significance for Retinoblastoma. Last evaluated: 2025-07-29. Review status: criteria provided, single submitter. Criteria: Invitae Variant Classification Sherloc (09022015). Collection method: clinical testing. Allele origin: germline.
Comment: This sequence change replaces tyrosine, which is neutral and polar, with cysteine, which is neutral and slightly polar, at codon 659 of the RB1 protein (p.Tyr659Cys). This variant is present in population databases (rs751799266, gnomAD 0.006%). This variant has not been reported in the literature in individuals affected with RB1-related conditions. ClinVar contains an entry for this variant (Variation ID: 957719). Invitae Evidence Modeling of protein sequence and biophysical properties (such as structural, functional, and spatial information, amino acid conservation, physicochemical variation, residue mobility, and thermodynamic stability) indicates that this missense variant is expected to disrupt RB1 protein function with a positive predictive value of 80%. In summary, the available evidence is currently insufficient to determine the role of this variant in disease. Therefore, it has been classified as a Variant of Uncertain Significance.

GeneDx
Classification: Uncertain significance. Last evaluated: 2024-07-18. Review status: criteria provided, single submitter. Criteria: GeneDx Variant Classification Process June 2021. Collection method: clinical testing. Allele origin: germline. Affected: yes.
Comment: Not observed at significant frequency in large population cohorts (gnomAD); In silico analysis supports that this missense variant has a deleterious effect on protein structure/function; Has not been previously published as pathogenic or benign to our knowledge; This variant is associated with the following publications: (PMID: 30761385, Day alan_2006_Review)

Ambry Genetics
Classification: Likely benign for Hereditary cancer-predisposing syndrome. Last evaluated: 2022-12-28. Review status: criteria provided, single submitter. Criteria: Ambry Variant Classification Scheme 2023. Collection method: clinical testing. Allele origin: germline.